The following is an entry in ClinVar:

ClinVar aggregate classification (germline): Uncertain significance. Review status: criteria provided, multiple submitters, no conflicts (2 of 4 stars). 3 submissions from 3 submitters: Uncertain significance (3). Last evaluated 2025-11-10.

Conditions:
Hereditary cancer-predisposing syndrome. Also called: Neoplastic Syndromes, Hereditary; Tumor predisposition; Hereditary neoplastic syndrome; Hereditary Cancer Syndrome. Identifiers: Orphanet 140162, MedGen C0027672, MeSH D009386, MONDO:0015356.
Familial adenomatous polyposis 1 (FAP1). Also called: POLYPOSIS, ADENOMATOUS INTESTINAL; FAMILIAL ADENOMATOUS POLYPOSIS 1, ATTENUATED. Identifiers: MedGen C2713442, MONDO:0021056, OMIM 175100. Disease mechanism: loss of function.

gnomAD v4.1: 3 of 1,614,174 alleles (0.00019%); highest among the groups gnomAD compares: Non-Finnish European, 0.00017%; no homozygotes.

Submissions (3):

Labcorp Genetics (formerly Invitae), Labcorp
Classification: Uncertain significance for Familial adenomatous polyposis 1. Last evaluated: 2025-11-10. Review status: criteria provided, single submitter. Criteria: Invitae Variant Classification Sherloc (09022015). Collection method: clinical testing. Allele origin: germline.
Comment: This sequence change replaces glutamine, which is neutral and polar, with arginine, which is basic and polar, at codon 1123 of the APC protein (p.Gln1123Arg). This variant is not present in population databases (gnomAD no frequency). This variant has not been reported in the literature in individuals affected with APC-related conditions. ClinVar contains an entry for this variant (Variation ID: 628008). Invitae Evidence Modeling of protein sequence and biophysical properties (such as structural, functional, and spatial information, amino acid conservation, physicochemical variation, residue mobility, and thermodynamic stability) indicates that this missense variant is not expected to disrupt APC protein function with a negative predictive value of 95%. In summary, the available evidence is currently insufficient to determine the role of this variant in disease. Therefore, it has been classified as a Variant of Uncertain Significance.

Ambry Genetics
Classification: Uncertain significance for Hereditary cancer-predisposing syndrome. Last evaluated: 2024-03-01. Review status: criteria provided, single submitter. Criteria: Ambry Variant Classification Scheme 2023. Collection method: clinical testing. Allele origin: germline.
Comment: The p.Q1123R variant (also known as c.3368A>G), located in coding exon 15 of the APC gene, results from an A to G substitution at nucleotide position 3368. The glutamine at codon 1123 is replaced by arginine, an amino acid with highly similar properties. This amino acid position is well conserved in available vertebrate species. In addition, in silico predictors for this gene do not accurately predict pathogenicity. Based on the available evidence, the clinical significance of this alteration remains unclear.

Color Diagnostics, LLC DBA Color Health
Classification: Uncertain significance for Hereditary cancer-predisposing syndrome. Last evaluated: 2023-12-05. Review status: criteria provided, single submitter. Criteria: ACMG Guidelines, 2015. Collection method: clinical testing. Allele origin: germline.
Comment: This missense variant replaces glutamine with arginine at codon 1123 of the APC protein. Computational prediction suggests that this variant may not impact protein structure and function (internally defined REVEL score threshold <= 0.5, PMID: 27666373). To our knowledge, functional studies have not been reported for this variant. This variant has not been reported in individuals affected with APC-related disorders in the literature. This variant has not been identified in the general population by the Genome Aggregation Database (gnomAD). The available evidence is insufficient to determine the role of this variant in disease conclusively. Therefore, this variant is classified as a Variant of Uncertain Significance.

NM_000038.6(APC):c.3368A>G (p.Gln1123Arg)

Gene: APC (APC regulator of Wnt signaling pathway; plus strand). Cytogenetic location: 5q22.2.
Variant type: single nucleotide variant.
Coding change: c.3368A>G on transcript NM_000038.6 (MANE Select); coding-DNA position 3368, A replaced by G.
Protein change: p.Gln1123Arg; replaces glutamine 1123 with arginine.
Molecular consequence: missense variant.
Genome position (GRCh38, 1-based): chr5:112,838,962, A>G. VCF-style: chr5-112838962-A-G. GRCh37 (hg19) VCF-style: chr5-112174659-A-G.
Other names: c.3368A>G, p.Gln1123Arg (NM_001127510.3, NM_001354895.2); c.3314A>G, p.Gln1105Arg (NM_001127511.3); c.3422A>G, p.Gln1141Arg (NM_001354896.2); c.3398A>G, p.Gln1133Arg (NM_001354897.2); c.3293A>G, p.Gln1098Arg (NM_001354898.2); c.3284A>G, p.Gln1095Arg (NM_001354899.2); c.3245A>G, p.Gln1082Arg (NM_001354900.2); c.3191A>G, p.Gln1064Arg (NM_001354901.2); and 5 more; short protein forms Q1123R, Q1105R, Q1022R, Q963R, Q1032R, Q1141R, Q997R, Q1095R.
Identifiers: ClinVar variation 628008 (VCV000628008.17), dbSNP rs587779789, ClinGen allele CA16028712.